The following is an entry in ClinVar:

ClinVar aggregate classification (germline): Pathogenic (1 of 4 stars; one submission).

Conditions:
Multiple endocrine neoplasia, type 1 (MEN1). Also called: Endocrine adenomatosis multiple; MEN 1; MEN I; WERMER SYNDROME; MEA I. Identifiers: Orphanet 652, MedGen C0025267, MeSH D018761, MONDO:0007540, OMIM 131100.

Submission:

Labcorp Genetics (formerly Invitae), Labcorp
Classification: Pathogenic for Multiple endocrine neoplasia, type 1. Last evaluated: 2022-01-11. Review status: criteria provided, single submitter. Criteria: Invitae Variant Classification Sherloc (09022015). Collection method: clinical testing. Allele origin: germline.
Comment: For these reasons, this variant has been classified as Pathogenic. This variant disrupts a region of the MEN1 protein in which other variant(s) (p.Ser555Asn) have been determined to be pathogenic (PMID: 9683585, 15254225). This suggests that this is a clinically significant region of the protein, and that variants that disrupt it are likely to be disease-causing. This variant has not been reported in the literature in individuals affected with MEN1-related conditions. This variant is not present in population databases (gnomAD no frequency). This variant, c.1642_1673delinsCC, is a complex sequence change that results in the deletion of 11 and insertion of 1 amino acid(s) in the MEN1 protein (p.Gly548_Met558delinsPro).

Literature cited by the submitters: PubMed 9683585; PubMed 15254225.

NM_001370259.2(MEN1):c.1642_1673delinsCC (p.Gly548_Met558delinsPro)

Gene: MEN1 (menin 1; minus strand). Cytogenetic location: 11q13.1.
Variant type: Indel.
Coding change: c.1642_1673delinsCC on transcript NM_001370259.2 (MANE Select); coding-DNA positions 1642 to 1673, the reference bases replaced by CC.
Protein change: p.Gly548_Met558delinsPro.
Molecular consequence: inframe indel.
Genome position (GRCh38, 1-based): chr11:64,804,494-64,804,525, 32 bases replaced. GRCh37 (hg19): chr11:64,571,966-64,571,997.
Other names: c.1657_1688delinsCC, p.Gly553_Met563delinsPro (NM_000244.4, NM_130800.3, NM_130801.3 and 3 more transcripts); c.1768_1799delinsCC, p.Gly590_Met600delinsPro (NM_001370251.2); c.1642_1673delinsCC, p.Gly548_Met558delinsPro (NM_001370260.2, NM_001370261.2, NM_130799.3); c.1537_1568delinsCC, p.Gly513_Met523delinsPro (NM_001370262.2, NM_001370263.2); c.1768_1799del32insCC, p.Gly590_Met600delinsPro (NM_001407142.1, NM_001407143.1, NM_001407144.1); c.1657_1688del32insCC, p.Gly553_Met563delinsPro (NM_001407145.1); c.1642_1673del32insCC, p.Gly548_Met558delinsPro (NM_001407146.1, NM_001407147.1); c.1537_1568del32insCC, p.Gly513_Met523delinsPro (NM_001407148.1, NM_001407149.1); and 3 more.
Identifiers: ClinVar variation 2080505 (VCV002080505.4), dbSNP rs2497106753, ClinGen allele CA2580084412.
Genomic context (GRCh38, chr11:64,804,494, plus strand): 5'-TGCAGCTTGATGGCGCTCGAGTTGATCTTGGTGGCCACCAGCAGCTCCTTCATGCCCTTC[ATCTTCTCACTCTGGAAAGTGAGCACTGGACC>GG]CTCCGGCGGTGGTGATGCTGTGGGTGCTGGCACCTGAGCCGTGCTGCCACCTTCAGGGCC-3'